The following is an entry in ClinVar:

NM_005051.3(QARS1):c.2152-9T>C

Gene: QARS1 (glutaminyl-tRNA synthetase 1; minus strand). Cytogenetic location: 3p21.31.
Variant type: single nucleotide variant.
Coding change: c.2152-9T>C on transcript NM_005051.3 (MANE Select); 9 bases into the intron before coding-DNA position 2152, T replaced by C.
Molecular consequence: intron variant.
Genome position (GRCh38, 1-based): chr3:49,098,126, A>G on the plus strand (T>C on the coding strand, the complement: QARS1 is on the minus strand). VCF-style: chr3-49098126-A-G. GRCh37 (hg19) VCF-style: chr3-49135559-A-G.
Other names: c.2119-9T>C (NM_001272073.2).
Identifiers: ClinVar variation 391754 (VCV000391754.1), dbSNP rs1057524221, ClinGen allele CA16604618.

ClinVar aggregate classification (germline): Likely benign (1 of 4 stars; one submission).

Submission:

GeneDx
Classification: Likely benign. Last evaluated: 2016-12-20. Review status: criteria provided, single submitter. Criteria: GeneDx Variant Classification (06012015). Collection method: clinical testing. Allele origin: germline. Affected: yes.
Comment: This variant is considered likely benign or benign based on one or more of the following criteria: it is a conservative change, it occurs at a poorly conserved position in the protein, it is predicted to be benign by multiple in silico algorithms, and/or has population frequency not consistent with disease.